The following is an entry in ClinVar:

NM_015512.5(DNAH1):c.11650C>T (p.Arg3884Cys)

Gene: DNAH1 (dynein axonemal heavy chain 1; plus strand). Cytogenetic location: 3p21.1.
Variant type: single nucleotide variant.
Coding change: c.11650C>T on transcript NM_015512.5 (MANE Select); coding-DNA position 11650, C replaced by T.
Protein change: p.Arg3884Cys; replaces arginine 3884 with cysteine.
Molecular consequence: missense variant.
Genome position (GRCh38, 1-based): chr3:52,396,907, C>T. VCF-style: chr3-52396907-C-T. GRCh37 (hg19) VCF-style: chr3-52430923-C-T.
Other names: short protein forms R3884C.
Identifiers: ClinVar variation 2074245 (VCV002074245.4), dbSNP rs369367984, ClinGen allele CA2436243.
Genomic context (GRCh38, chr3:52,396,907, plus strand): 5'-CCTCACCCACCCACCCCATAGGTCCTCAAGTACACGGCAGGGGAGATCAATTACGGGGGC[C>T]GTGTCACTGATGACTGGGACCGGCGCTGCATCATGAACATCTTGGAGGACTTCTACAACC-3'
Protein context (NP_056327.4, residues 3874-3894): YTAGEINYGG[Arg3884Cys]VTDDWDRRCI

ClinVar aggregate classification (germline): Uncertain significance (1 of 4 stars; one submission).

Conditions:
Spermatogenic failure 18. Identifiers: MedGen C4539783, MONDO:0054615, OMIM 617576.
Ciliary dyskinesia, primary, 37 (CILD37). Also called: CILIARY DYSKINESIA, PRIMARY, 37, WITH OR WITHOUT SITUS INVERSUS. Identifiers: MedGen C4539798, MONDO:0033204, OMIM 617577.

Allele frequency attached by ClinVar (database versions not stated): gnomAD exomes 0.00001; ExAC 0.00002; gnomAD 0.00003; TOPMed 0.00004; ESP Exome Variant Server 0.00008; 1000 Genomes Project 0.00020; 1000 Genomes Project 30x 0.00031.
gnomAD v4.1: 19 of 1,613,500 alleles (0.0012%); highest among the groups gnomAD compares: East Asian, 0.0067%; no homozygotes.

Submission:

Labcorp Genetics (formerly Invitae), Labcorp
Classification: Uncertain significance for Ciliary dyskinesia, primary, 37; Spermatogenic failure 18. Last evaluated: 2022-10-04. Review status: criteria provided, single submitter. Criteria: Invitae Variant Classification Sherloc (09022015). Collection method: clinical testing. Allele origin: germline.
Comment: This sequence change replaces arginine, which is basic and polar, with cysteine, which is neutral and slightly polar, at codon 3884 of the DNAH1 protein (p.Arg3884Cys). This variant is present in population databases (rs369367984, gnomAD 0.007%). This variant has not been reported in the literature in individuals affected with DNAH1-related conditions. Advanced modeling of protein sequence and biophysical properties (such as structural, functional, and spatial information, amino acid conservation, physicochemical variation, residue mobility, and thermodynamic stability) performed at Invitae indicates that this missense variant is expected to disrupt DNAH1 protein function. In summary, the available evidence is currently insufficient to determine the role of this variant in disease. Therefore, it has been classified as a Variant of Uncertain Significance.